The following is an entry in ClinVar:

ClinVar aggregate classification (germline): Uncertain significance (1 of 4 stars; one submission).

Conditions:
Dyskeratosis congenita. Identifiers: Orphanet 1775, MedGen C0265965, MONDO:0015780.

Submission:

Ambry Genetics
Classification: Uncertain significance for Dyskeratosis congenita. Last evaluated: 2025-05-18. Review status: criteria provided, single submitter. Criteria: Ambry Variant Classification Scheme 2023. Collection method: clinical testing. Allele origin: germline.
Comment: The p.A518P variant (also known as c.1552G>C), located in coding exon 2 of the TERT gene, results from a G to C substitution at nucleotide position 1552. The alanine at codon 518 is replaced by proline, an amino acid with highly similar properties. This amino acid position is conserved. In addition, this alteration is predicted to be tolerated by in silico analysis. Based on the available evidence, the clinical significance of this variant remains unclear.

NM_198253.3(TERT):c.1552G>C (p.Ala518Pro)

Gene: TERT (telomerase reverse transcriptase; minus strand). Cytogenetic location: 5p15.33.
Variant type: single nucleotide variant.
Coding change: c.1552G>C on transcript NM_198253.3 (MANE Select); coding-DNA position 1552, G replaced by C.
Protein change: p.Ala518Pro; replaces alanine 518 with proline.
Molecular consequence: missense variant. On other transcripts: non-coding transcript variant (2).
Genome position (GRCh38, 1-based): chr5:1,293,334, C>G on the plus strand (G>C on the coding strand, the complement: TERT is on the minus strand). VCF-style: chr5-1293334-C-G. GRCh37 (hg19) VCF-style: chr5-1293449-C-G.
Other names: c.1552G>C, p.Ala518Pro (NM_001193376.3); short protein forms A518P.
Identifiers: ClinVar variation 3967371 (VCV003967371.1).